The following is an entry in ClinVar:

NM_000939.4(POMC):c.394_395del (p.Pro132fs)

Gene: POMC (proopiomelanocortin; minus strand). Cytogenetic location: 2p23.3.
Variant type: Deletion.
Coding change: c.394_395del on transcript NM_000939.4 (MANE Select); coding-DNA positions 394 to 395, 2 bases deleted (CC; older notation c.394_395delCC).
Protein change: p.Pro132fs; shifts the reading frame from proline 132.
Molecular consequence: frameshift variant.
Genome position (GRCh38, 1-based): chr2:25,161,490-25,161,491, GG deleted on the plus strand (CC on the coding strand, the reverse complement: POMC is on the minus strand); deleting any 2 consecutive bases within chr2:25,161,490-25,161,492 gives the same sequence; the c. name uses the placement nearest the transcript's 3' end. VCF-style (leftmost placement, unchanged base first): chr2-25161489-CGG-C. GRCh37 (hg19) VCF-style: chr2-25384358-CGG-C.
Other names: c.394_395del, p.Pro132fs (NM_001035256.3, NM_001319204.2, NM_001319205.2); short protein forms P132fs.
Identifiers: ClinVar variation 4997662 (VCV004997662.1).

ClinVar aggregate classification (germline): Likely pathogenic (1 of 4 stars; one submission).

Conditions:
POMC-related disorder. Also called: POMC-related disorders; POMC-related condition.

Submission:

PreventionGenetics, part of Exact Sciences
Classification: Likely pathogenic for POMC-related condition. Last evaluated: 2025-04-28. Review status: criteria provided, single submitter. Criteria: ACMG Guidelines, 2015. Collection method: clinical testing. Allele origin: germline.
Comment: The POMC c.394_395delCC variant is predicted to result in a frameshift and premature protein termination (p.Pro132Alafs*30). To our knowledge, this variant has not been reported in the literature or in a large population database (gnomAD), indicating this variant is rare. Frameshift variants in POMC are expected to be pathogenic. This variant is interpreted as likely pathogenic.